The following is an entry in ClinVar:

NM_004320.6(ATP2A1):c.245A>G (p.Glu82Gly)

Gene: ATP2A1 (ATPase sarcoplasmic/endoplasmic reticulum Ca2+ transporting 1; plus strand). Cytogenetic location: 16p11.2.
Variant type: single nucleotide variant.
Coding change: c.245A>G on transcript NM_004320.6 (MANE Select); coding-DNA position 245, A replaced by G.
Protein change: p.Glu82Gly; replaces glutamic acid 82 with glycine.
Molecular consequence: missense variant. On other transcripts: 5 prime UTR variant (1).
Genome position (GRCh38, 1-based): chr16:28,880,940, A>G. VCF-style: chr16-28880940-A-G. GRCh37 (hg19) VCF-style: chr16-28892261-A-G.
Other names: c.245A>G, p.Glu82Gly (NM_173201.5); c.-131A>G (NM_001286075.2); short protein forms E82G.
Identifiers: ClinVar variation 385996 (VCV000385996.5), dbSNP rs764640218, ClinGen allele CA7986588.

ClinVar aggregate classification (germline): Uncertain significance. Review status: criteria provided, multiple submitters, no conflicts (2 of 4 stars). 2 submissions from 2 submitters: Uncertain significance (2). Last evaluated 2021-02-09.

Conditions:
Brody myopathy. Also called: BRODY DISEASE. Identifiers: Orphanet 53347, MedGen C1832918, MONDO:0010977, OMIM 601003.

Allele frequency attached by ClinVar (database versions not stated): gnomAD 0.00001; TOPMed 0.00001.
gnomAD v4.1: 15 of 1,614,068 alleles (0.00093%); highest among the groups gnomAD compares: Non-Finnish European, 0.0013%; no homozygotes.

Submissions (2):

Revvity Omics, Revvity
Classification: Uncertain significance for Brody myopathy. Last evaluated: 2021-02-09. Review status: criteria provided, single submitter. Criteria: ACMG Guidelines, 2015. Collection method: clinical testing. Allele origin: germline.

GeneDx
Classification: Uncertain significance. Last evaluated: 2016-05-25. Review status: criteria provided, single submitter. Criteria: GeneDx Variant Classification (06012015). Collection method: clinical testing. Allele origin: germline. Affected: yes.
Comment: A variant of uncertain significance has been identified in the ATP2A1 gene. The E82G variant has not been published as a pathogenic variant, nor has it been reported as a benign variant to our knowledge. It was not observed in approximately 6,500 individuals of European and African American ancestry in the NHLBI Exome Sequencing Project, indicating it is not a common benign variant in these populations. The E82G variant is a non-conservative amino acid substitution, which is likely to impact secondary protein structure as these residues differ in polarity, charge, size and/or other properties. This substitution occurs at a position that is conserved across species and in silico analysis predicts this variant is probably damaging to the protein structure/function. However, based on the currently available information, it is unclear whether this variant is a pathogenic variant or a rare benign variant.